The following is an entry in ClinVar:

NM_001379291.1(BRD4):c.312T>A (p.Pro104=)

Gene: BRD4 (bromodomain containing 4; minus strand). Cytogenetic location: 19p13.12.
Variant type: single nucleotide variant.
Coding change: c.312T>A on transcript NM_001379291.1 (MANE Select); coding-DNA position 312, T replaced by A.
Protein change: p.Pro104=; no amino-acid change (proline 104 retained).
Molecular consequence: synonymous variant.
Genome position (GRCh38, 1-based): chr19:15,269,016, A>T on the plus strand (T>A on the coding strand, the complement: BRD4 is on the minus strand). VCF-style: chr19-15269016-A-T. GRCh37 (hg19) VCF-style: chr19-15379827-A-T.
Other names: c.312T>A, p.Pro104= (NM_001330384.2, NM_001379292.1, NM_014299.3 and 1 more transcripts).
Identifiers: ClinVar variation 2079168 (VCV002079168.6), dbSNP rs200761617, ClinGen allele CA9265658.
Genomic context (GRCh38, chr19:15,269,016, plus strand): 5'-TTCCTGAGCATTCCAGTAATAGTTGTTTTCCAAGCGCTTCTTTATTGTTCCCATATCCAT[A>T]GGCGTTTTAATGATCTTATAGTAATCCTGGAGAGCAGAGAGCAAAAGTCCAGTGTCACCT-3'
Protein context (NP_001366220.1, residues 94-114): LPDYYKIIKT[Pro104=]MDMGTIKKRL

ClinVar aggregate classification (germline): Likely benign. Review status: criteria provided, multiple submitters, no conflicts (2 of 4 stars). 2 submissions from 2 submitters: Likely benign (2). Last evaluated 2026-05-01.

gnomAD v4.1: 207 of 1,614,092 alleles (0.013%); highest among the groups gnomAD compares: Non-Finnish European, 0.016%; no homozygotes.

Submissions (2):

CeGaT Center for Human Genetics Tuebingen
Classification: Likely benign. Last evaluated: 2026-05-01. Review status: criteria provided, single submitter. Criteria: CeGaT Center For Human Genetics Tuebingen Variant Classification Criteria Version 2. Collection method: clinical testing. Allele origin: germline. Affected: yes. Observed: 1 variant allele.
Comment: BRD4: BP4, BP7

Labcorp Genetics (formerly Invitae), Labcorp
Classification: Likely benign. Last evaluated: 2025-04-15. Review status: criteria provided, single submitter. Criteria: Invitae Variant Classification Sherloc (09022015). Collection method: clinical testing. Allele origin: germline.